The following is an entry in ClinVar:

NM_002691.4(POLD1):c.234C>G (p.Arg78=)

Gene: POLD1 (DNA polymerase delta 1, catalytic subunit; plus strand). Cytogenetic location: 19q13.33.
Variant type: single nucleotide variant.
Coding change: c.234C>G on transcript NM_002691.4 (MANE Select); coding-DNA position 234, C replaced by G.
Protein change: p.Arg78=; no amino-acid change (arginine 78 retained).
Molecular consequence: synonymous variant. On other transcripts: non-coding transcript variant (1).
Genome position (GRCh38, 1-based): chr19:50,399,402, C>G. VCF-style: chr19-50399402-C-G. GRCh37 (hg19) VCF-style: chr19-50902659-C-G.
Other names: c.234C>G, p.Arg78= (NM_001256849.1, NM_001308632.1).
Identifiers: ClinVar variation 380633 (VCV000380633.31), dbSNP rs2228665, ClinGen allele CA9595659.

ClinVar aggregate classification (germline): Benign. Review status: criteria provided, multiple submitters, no conflicts (2 of 4 stars). 14 submissions from 14 submitters: Benign (10). 4 of the submissions do not count toward it. Last evaluated 2026-02-04.

Conditions:
Carcinoma of colon (CRC). Also called: Colon carcinoma; Colonic carcinoma. Identifiers: MedGen C0699790, MONDO:0002032.
POLD1-related polyposis and colorectal cancer syndrome (CRCS10). Also called: Colorectal cancer, susceptibility to, 10; Colorectal cancer 10; COLORECTAL CANCER, SUSCEPTIBILITY TO, ON CHROMOSOME 19q. Identifiers: Orphanet 220460, MedGen C2675481, MONDO:0012953, OMIM 612591.
Hereditary cancer-predisposing syndrome. Also called: Neoplastic Syndromes, Hereditary; Hereditary neoplastic syndrome; Hereditary Cancer Syndrome; Tumor predisposition. Identifiers: Orphanet 140162, MedGen C0027672, MeSH D009386, MONDO:0015356.

Allele frequency attached by ClinVar (database versions not stated): gnomAD exomes 0.00307 and 0.00871; ExAC 0.01041; gnomAD 0.03317 and 0.03571; 1000 Genomes Project 0.03534; ESP Exome Variant Server 0.03729; 1000 Genomes Project 30x 0.03795; TOPMed 0.03795.
gnomAD v4.1: 9,751 of 1,614,070 alleles (0.6%); highest among the groups gnomAD compares: African/African-American, 11%; 521 homozygotes.

Submissions (14):

Labcorp Genetics (formerly Invitae), Labcorp
Classification: Benign for POLD1-related polyposis and colorectal cancer syndrome. Last evaluated: 2026-02-04. Review status: criteria provided, single submitter. Criteria: Invitae Variant Classification Sherloc (09022015). Collection method: clinical testing. Allele origin: germline.

Center for Genomic Medicine, Rigshospitalet, Copenhagen University Hospital
Classification: Benign. Last evaluated: 2025-03-04. Review status: criteria provided, single submitter. Criteria: ACMG Guidelines, 2015. Collection method: clinical testing. Allele origin: germline.

Institute for Biomarker Research, Medical Diagnostic Laboratories, L.L.C.
Classification: Benign for Hereditary cancer-predisposing syndrome. Last evaluated: 2025-01-20. Review status: criteria provided, single submitter. Criteria: ACMG Guidelines, 2015. Collection method: clinical testing. Allele origin: germline.
Comment: The synonymous variant NM_001308632.1(POLD1):c.234C>G (p.Arg78=) has been reported to ClinVar as Benign with a status of (2 stars) criteria provided, multiple submitters, no conflicts (Variation ID 380633 as of 2025-01-02). The variant is observed in one or more well-documented healthy adults.The p.Arg78= variant is observed in 177/5,008 (3.5343%) alleles from individuals of 1kG All background in 1kG, indicating it is a common benign variant. The p.Arg78= variant is not predicted to disrupt an existing splice site. The p.Arg78= variant results in a substitution of a base that is not predicted conserved by GERP++ and PhyloP. For these reasons, this variant has been classified as Benign.

KCCC/NGS Laboratory, Kuwait Cancer Control Center
Classification: Benign for POLD1-related polyposis and colorectal cancer syndrome. Last evaluated: 2023-07-07. Review status: criteria provided, single submitter. Criteria: ACMG Guidelines, 2015. Collection method: clinical testing. Allele origin: germline. Affected: yes.

PreventionGenetics, part of Exact Sciences
Classification: Benign. Last evaluated: 2016-12-06. Review status: criteria provided, single submitter. Criteria: ACMG Guidelines, 2015. Collection method: clinical testing. Allele origin: germline.

Quest Diagnostics Nichols Institute San Juan Capistrano
Classification: Benign. Last evaluated: 2016-08-04. Review status: criteria provided, single submitter. Criteria: Quest Diagnostics criteria. Collection method: clinical testing. Allele origin: unknown.

Women's Health and Genetics/Laboratory Corporation of America, LabCorp
Classification: Benign. Last evaluated: 2016-05-17. Review status: criteria provided, single submitter. Criteria: LabCorp Variant Classification Summary - May 2015. Collection method: clinical testing. Allele origin: germline.
Comment: Variant summary: The POLD1 c.234C>G (p.Arg78Arg) variant involves the alteration of a non-conserved nucleotide, resulting in a synonymous change. One in silico tool predicts a polymorphism outcome for this variant. 4/5 splice prediction tools predict no significant impact on normal splicing. This variant was found in 1258/120890 control chromosomes (73 homozygotes), predominantly observed in the African subpopulation at a frequency of 0.1125917 (1166/10356). This frequency is about 7926 times the estimated maximal expected allele frequency of a pathogenic POLD1 variant (0.0000142), suggesting this is likely a benign polymorphism found primarily in the populations of African origin. The variant of interest has not, to our knowledge, been reported in affected individuals via publications and/or reputable databases/clinical diagnostic laboratories; nor evaluated for functional impact by in vivo/vitro studies. Taken together, this variant is classified as benign.

GeneDx
Classification: Benign. Last evaluated: 2015-11-13. Review status: criteria provided, single submitter. Criteria: GeneDx Variant Classification (06012015). Collection method: clinical testing. Allele origin: germline. Affected: yes.
Comment: This variant is considered likely benign or benign based on one or more of the following criteria: it is a conservative change, it occurs at a poorly conserved position in the protein, it is predicted to be benign by multiple in silico algorithms, and/or has population frequency not consistent with disease.

Ambry Genetics
Classification: Benign for Hereditary cancer-predisposing syndrome. Last evaluated: 2015-05-20. Review status: criteria provided, single submitter. Criteria: Ambry Variant Classification Scheme 2023. Collection method: clinical testing. Allele origin: germline.

Breakthrough Genomics
Classification: Benign. Review status: criteria provided, single submitter. Criteria: ACMG Guidelines, 2015. Collection method: not provided. Allele origin: germline. Inheritance: Autosomal dominant inheritance. Affected: yes.

True Health Diagnostics
Classification: Likely benign for Hereditary cancer-predisposing syndrome. Last evaluated: 2017-10-25. Review status: no assertion criteria provided. Collection method: clinical testing. Allele origin: germline. Not counted in ClinVar's aggregate classification.

Clinical Genetics, Academic Medical Center
Classification: Benign. Review status: no assertion criteria provided. Collection method: clinical testing. Allele origin: germline. Affected: yes. Study: VKGL Data-share Consensus. Not counted in ClinVar's aggregate classification.

Department of Pathology and Laboratory Medicine, Sinai Health System
Classification: Benign for Carcinoma of colon. Review status: no assertion criteria provided. Collection method: clinical testing. Allele origin: unknown. Affected: yes. Observed: 1 variant allele. Study: The Canadian Open Genetics Repository (COGR). Not counted in ClinVar's aggregate classification.
Comment: The POLD1 p.Arg78= variant was identified in dbSNP (ID: rs2228665) â€šÃ„ÃºWith Benign alleleâ€šÃ„Ã¹, ClinVar (classified benign by GeneDx, Invitae, Ambry Genetics and Quest Diagnostics Nichols Institute San Juan Capistrano), and in control databases in 3050 (173 homozygous) of 277140 chromosomes at a frequency of 0.01 increasing the likelihood this could be a low frequency benign variant (Genome Aggregation Database Feb 27, 2017). Breakdown of the observations by population include African in 2735 (171 homozygous) of 24022 chromosomes (freq: 0.11), Other in 27 of 6466 chromosomes (freq: 0.004), Latino in 253 (2 homozygous) of 34418 chromosomes (freq: 0.007), European Non-Finnish in 32 of 126664 chromosomes (freq: 0.0003), Ashkenazi Jewish in 1 of 10150 chromosomes (freq: 0.0001), and South Asian in 2 of 30782 chromosomes (freq: 0.00007), while not observed in the East Asian and European Finnish populations. The p.Arg78= variant is not expected to have clinical significance because it does not result in a change of amino acid and is not located in a known consensus splice site. In summary, based on the above information this variant meets our laboratory's criteria to be classified as benign.

Genome Diagnostics Laboratory, Amsterdam University Medical Center
Classification: Benign. Review status: no assertion criteria provided. Collection method: clinical testing. Allele origin: germline. Affected: yes. Study: VKGL Data-share Consensus. Not counted in ClinVar's aggregate classification.